The following is an entry in ClinVar:

NM_000350.3(ABCA4):c.6286G>A (p.Glu2096Lys)

Gene: ABCA4 (ATP binding cassette subfamily A member 4; minus strand). Cytogenetic location: 1p22.1.
Variant type: single nucleotide variant.
Coding change: c.6286G>A on transcript NM_000350.3 (MANE Select); coding-DNA position 6286, G replaced by A.
Protein change: p.Glu2096Lys; replaces glutamic acid 2096 with lysine.
Molecular consequence: missense variant.
Genome position (GRCh38, 1-based): chr1:94,001,102, C>T on the plus strand (G>A on the coding strand, the complement: ABCA4 is on the minus strand). VCF-style: chr1-94001102-C-T. GRCh37 (hg19) VCF-style: chr1-94466658-C-T.
Other names: c.6064G>A, p.Glu2022Lys (NM_001425324.1); short protein forms E2096K, E2022K.
Identifiers: ClinVar variation 99445 (VCV000099445.13), dbSNP rs61750646, ClinGen allele CA227386.

ClinVar aggregate classification (germline): Conflicting classifications of pathogenicity. Review status: criteria provided, conflicting classifications (1 of 4 stars). 7 submissions from 7 submitters: Pathogenic (5); Uncertain significance (1). 1 of the submissions does not count toward it. Last evaluated 2025-09-01.

Conditions:
ABCA4-related disorder. Also called: ABCA4-related disorders; ABCA4-related condition. Identifiers: MedGen CN239167.
Stargardt disease (FFM). Also called: Fundus flavimaculatus; Stargardt's disease. Identifiers: Orphanet 827, MedGen C0271093, MONDO:0019353.

Allele frequency attached by ClinVar (database versions not stated): ExAC 0.00001; gnomAD 0.00001; gnomAD exomes 0.00001; TOPMed 0.00001.
gnomAD v4.1: 15 of 1,613,350 alleles (0.00093%); highest among the groups gnomAD compares: African/African-American, 0.004%; no homozygotes.

Submissions (7):

Labcorp Genetics (formerly Invitae), Labcorp
Classification: Pathogenic. Last evaluated: 2025-09-01. Review status: criteria provided, single submitter. Criteria: Invitae Variant Classification Sherloc (09022015). Collection method: clinical testing. Allele origin: germline.
Comment: This sequence change replaces glutamic acid, which is acidic and polar, with lysine, which is basic and polar, at codon 2096 of the ABCA4 protein (p.Glu2096Lys). This variant is present in population databases (rs61750646, gnomAD 0.007%). This missense change has been observed in individual(s) with Stargardt disease (PMID: 11726554, 29925512, 33691693). In at least one individual the data is consistent with being in trans (on the opposite chromosome) from a pathogenic variant. It has also been observed to segregate with disease in related individuals. ClinVar contains an entry for this variant (Variation ID: 99445). Invitae Evidence Modeling of protein sequence and biophysical properties (such as structural, functional, and spatial information, amino acid conservation, physicochemical variation, residue mobility, and thermodynamic stability) indicates that this missense variant is expected to disrupt ABCA4 protein function with a positive predictive value of 95%. Experimental studies have shown that this missense change affects ABCA4 function (PMID: 11017087). For these reasons, this variant has been classified as Pathogenic.

Women's Health and Genetics/Laboratory Corporation of America, LabCorp
Classification: Pathogenic for Stargardt disease. Last evaluated: 2024-10-29. Review status: criteria provided, single submitter. Criteria: LabCorp Variant Classification Summary - May 2015. Collection method: clinical testing. Allele origin: germline.
Comment: Variant summary: ABCA4 c.6286G>A (p.Glu2096Lys) results in a conservative amino acid change located in the ABC transporter-like, ATP-binding domain of the encoded protein sequence. Four of five in-silico tools predict a damaging effect of the variant on protein function. The variant allele was found at a frequency of 8e-06 in 250592 control chromosomes. c.6286G>A has been reported in the literature in multiple compound heterozygous individuals affected with Stargardt Disease (e.g. Fujinami_2019, Liu_2021, Ma_2021, Shroyer_2001). These data indicate that the variant is very likely to be associated with disease. The following publications have been ascertained in the context of this evaluation (PMID: 29925512, 33090715, 33691693, 19265867, 11726554). ClinVar contains an entry for this variant (Variation ID: 99445). Based on the evidence outlined above, the variant was classified as pathogenic.

Blueprint Genetics
Classification: Pathogenic for ABCA4-related disorders. Last evaluated: 2023-06-16. Review status: criteria provided, single submitter. Criteria: ACMG Guidelines, 2015. Collection method: clinical testing. Allele origin: germline. Affected: yes. Observed: 5 variant alleles.

Knight Diagnostic Laboratories, Oregon Health and Sciences University
Classification: Pathogenic. Last evaluated: 2019-06-19. Review status: criteria provided, single submitter. Criteria: ACMG Guidelines, 2015. Collection method: clinical testing. Allele origin: germline. Observed: 1 variant allele.

GeneDx
Classification: Pathogenic. Last evaluated: 2017-10-24. Review status: criteria provided, single submitter. Criteria: GeneDx Variant Classification (06012015). Collection method: clinical testing. Allele origin: germline. Affected: yes.
Comment: The E2096K variant in the ABCA4 gene has been published previously in association with Stargardt disease (Lewis et al., 1999; Shroyer et al., 2001; Utz et al., 2013). The variant is not observed at a significant frequency in large population cohorts (Lek et al., 2016). E2096K is a non-conservative amino acid substitution, which is likely to impact secondary protein structure as these residues differ in polarity, charge, size and/or other properties. This substitution occurs at a position that is conserved across species, and in silico analysis predicts this variant is probably damaging to the protein structure/function. Additionally, E2096K has been shown to significantly reduce ATPase activity of the ABCA4 protein (Sun et al., 2000). In summary, we consider this variant to be pathogenic

Eurofins Ntd Llc (ga)
Classification: Uncertain significance. Last evaluated: 2016-09-02. Review status: criteria provided, single submitter. Criteria: EGL Classification Definitions 2015. Collection method: clinical testing. Allele origin: germline. Observed: 1 variant allele, 1 heterozygote.

Retina International
No classification provided. Review status: no classification provided. Collection method: not provided. Allele origin: not provided. Not counted in ClinVar's aggregate classification.

Literature cited by the submitters: PubMed 11726554 (cited by Labcorp Genetics (formerly Invitae), Labcorp and Women's Health and Genetics/Laboratory Corporation of America, LabCorp); PubMed 29925512 (cited by Labcorp Genetics (formerly Invitae), Labcorp and Women's Health and Genetics/Laboratory Corporation of America, LabCorp); PubMed 33691693 (cited by Labcorp Genetics (formerly Invitae), Labcorp and Women's Health and Genetics/Laboratory Corporation of America, LabCorp); PubMed 11017087 (cited by Labcorp Genetics (formerly Invitae), Labcorp); PubMed 33090715 (cited by Women's Health and Genetics/Laboratory Corporation of America, LabCorp); PubMed 19265867 (cited by Women's Health and Genetics/Laboratory Corporation of America, LabCorp).